The following is an entry in ClinVar:

NM_001084.5(PLOD3):c.1979_1980del (p.Glu660fs)

Gene: PLOD3 (procollagen-lysine,2-oxoglutarate 5-dioxygenase 3; minus strand). Cytogenetic location: 7q22.1.
Variant type: Deletion.
Coding change: c.1979_1980del on transcript NM_001084.5 (MANE Select); coding-DNA positions 1979 to 1980, 2 bases deleted (AG; older notation c.1979_1980delAG).
Protein change: p.Glu660fs; shifts the reading frame from glutamic acid 660.
Molecular consequence: frameshift variant.
Genome position (GRCh38, 1-based): chr7:101,206,860-101,206,861, CT deleted on the plus strand (AG on the coding strand, the reverse complement: PLOD3 is on the minus strand); deleting any 2 consecutive bases within chr7:101,206,860-101,206,862 gives the same sequence; the c. name uses the placement nearest the transcript's 3' end. VCF-style (leftmost placement, unchanged base first): chr7-101206859-GCT-G. GRCh37 (hg19) VCF-style: chr7-100850140-GCT-G.
Other names: short protein forms E660fs.
Identifiers: ClinVar variation 4854241 (VCV004854241.1).

ClinVar aggregate classification (germline): Pathogenic (1 of 4 stars; one submission).

Conditions:
Bone fragility with contractures, arterial rupture, and deafness. Also called: LH3 DEFICIENCY; LYSYL HYDROXYLASE 3 DEFICIENCY; BCARD SYNDROME; BONE ABNORMALITIES, CATARACT, ARTERIAL RUPTURE, AND DEAFNESS. Identifiers: Orphanet 300284, MedGen C2676285, MONDO:0012892, OMIM 612394.

Submission:

3billion
Classification: Pathogenic for Bone fragility with contractures, arterial rupture, and deafness. Last evaluated: 2025-05-22. Review status: criteria provided, single submitter. Criteria: ACMG Guidelines, 2015. Collection method: clinical testing. Allele origin: germline. Affected: yes.
Comment: The variant is not observed in the gnomAD v4.1.0 dataset. Predicted Consequence/Location: Frameshift: predicted to result in a loss or disruption of normal protein function through nonsense-mediated decay (NMD) or protein truncation. Multiple pathogenic variants are reported downstream of the variant. Therefore, this variant is classified as Pathogenic according to the recommendation of ACMG/AMP guideline.